The following is an entry in ClinVar:

ClinVar aggregate classification (germline): Likely benign (0 of 4 stars; one submission).

Conditions:
SEMA4D-related disorder. Also called: SEMA4D-related condition.

Allele frequency attached by ClinVar (database versions not stated): 1000 Genomes Project 30x 0.00047; TOPMed 0.00162; gnomAD exomes 0.00266; 1000 Genomes Project 0.00040; ExAC 0.00100; gnomAD 0.00154.
gnomAD v4.1: 3,924 of 1,550,636 alleles (0.25%); highest among the groups gnomAD compares: Non-Finnish European, 0.32%; 7 homozygotes.

Submission:

PreventionGenetics, part of Exact Sciences
Classification: Likely benign for SEMA4D-related condition. Last evaluated: 2023-01-31. Review status: no assertion criteria provided. Collection method: clinical testing. Allele origin: germline.
Comment: This variant is classified as likely benign based on ACMG/AMP sequence variant interpretation guidelines (Richards et al. 2015 PMID: 25741868, with internal and published modifications).

NM_001142287.2(SEMA4D):c.1763C>T (p.Pro588Leu)

Gene: SEMA4D (semaphorin 4D; minus strand). Cytogenetic location: 9q22.2.
Variant type: single nucleotide variant.
Coding change: c.1763C>T on transcript NM_001142287.2; coding-DNA position 1763, C replaced by T.
Protein change: p.Pro588Leu; replaces proline 588 with leucine.
Molecular consequence: missense variant. On other transcripts: non-coding transcript variant (1).
Genome position (GRCh38, 1-based): chr9:89,376,952, G>A on the plus strand (C>T on the coding strand, the complement: SEMA4D is on the minus strand). VCF-style: chr9-89376952-G-A. GRCh37 (hg19) VCF-style: chr9-91991867-G-A.
Other names: c.1763C>T, p.Pro588Leu (NM_001371198.1, NM_001371199.1, NM_001371200.1 and 2 more transcripts); short protein forms P588L.
Identifiers: ClinVar variation 3041927 (VCV003041927.2), dbSNP rs202211452, ClinGen allele CA5118019.